The following is an entry in ClinVar:

ClinVar aggregate classification (germline): Uncertain significance. Review status: criteria provided, single submitter (1 of 4 stars). 2 submissions from 2 submitters: Uncertain significance (1). 1 of the submissions does not count toward it. Last evaluated 2025-08-12.

Conditions:
MYO1F-related disorder. Also called: MYO1F-related condition.

Allele frequency attached by ClinVar (database versions not stated): gnomAD exomes 0.00017; ExAC 0.00058; 1000 Genomes Project 0.00120; 1000 Genomes Project 30x 0.00125; gnomAD 0.00191; ESP Exome Variant Server 0.00213; TOPMed 0.00215.
gnomAD v4.1: 547 of 1,614,126 alleles (0.034%); highest among the groups gnomAD compares: African/African-American, 0.66%; 1 homozygote.

Submissions (2):

Ambry Genetics
Classification: Uncertain significance. Last evaluated: 2025-08-12. Review status: criteria provided, single submitter. Criteria: Ambry Variant Classification Scheme 2023. Collection method: clinical testing. Allele origin: germline.

PreventionGenetics, part of Exact Sciences
Classification: Likely benign for MYO1F-related condition. Last evaluated: 2019-09-10. Review status: no assertion criteria provided. Collection method: clinical testing. Allele origin: germline. Not counted in ClinVar's aggregate classification.
Comment: This variant is classified as likely benign based on ACMG/AMP sequence variant interpretation guidelines (Richards et al. 2015 PMID: 25741868, with internal and published modifications).

NM_012335.4(MYO1F):c.667C>G (p.Gln223Glu)

Gene: MYO1F (myosin IF; minus strand). Cytogenetic location: 19p13.2.
Variant type: single nucleotide variant.
Coding change: c.667C>G on transcript NM_012335.4 (MANE Select); coding-DNA position 667, C replaced by G.
Protein change: p.Gln223Glu; replaces glutamine 223 with glutamic acid.
Molecular consequence: missense variant.
Genome position (GRCh38, 1-based): chr19:8,551,844, G>C on the plus strand (C>G on the coding strand, the complement: MYO1F is on the minus strand). VCF-style: chr19-8551844-G-C. GRCh37 (hg19) VCF-style: chr19-8616728-G-C.
Other names: c.667C>G, p.Gln223Glu (NM_001348355.2); short protein forms Q223E.
Identifiers: ClinVar variation 3040248 (VCV003040248.3), dbSNP rs200043019, ClinGen allele CA9159577.